The following is an entry in ClinVar:

ClinVar aggregate classification (germline): Uncertain significance (1 of 4 stars; one submission).

gnomAD v4.1: 36 of 1,612,784 alleles (0.0022%); highest among the groups gnomAD compares: East Asian, 0.0045%; no homozygotes.

Submission:

Labcorp Genetics (formerly Invitae), Labcorp
Classification: Uncertain significance. Last evaluated: 2025-07-06. Review status: criteria provided, single submitter. Criteria: Invitae Variant Classification Sherloc (09022015). Collection method: clinical testing. Allele origin: germline.
Comment: This sequence change replaces alanine, which is neutral and non-polar, with valine, which is neutral and non-polar, at codon 297 of the DDX58 protein (p.Ala297Val). This variant is present in population databases (rs765663574, gnomAD 0.007%). This variant has not been reported in the literature in individuals affected with DDX58-related conditions. ClinVar contains an entry for this variant (Variation ID: 3610288). Invitae Evidence Modeling of protein sequence and biophysical properties (such as structural, functional, and spatial information, amino acid conservation, physicochemical variation, residue mobility, and thermodynamic stability) indicates that this missense variant is not expected to disrupt DDX58 protein function with a negative predictive value of 80%. In summary, the available evidence is currently insufficient to determine the role of this variant in disease. Therefore, it has been classified as a Variant of Uncertain Significance.

NM_014314.4(RIGI):c.890C>T (p.Ala297Val)

Gene: RIGI (RNA sensor RIG-I; minus strand). Cytogenetic location: 9p21.1.
Variant type: single nucleotide variant.
Coding change: c.890C>T on transcript NM_014314.4 (MANE Select); coding-DNA position 890, C replaced by T.
Protein change: p.Ala297Val; replaces alanine 297 with valine.
Molecular consequence: missense variant.
Genome position (GRCh38, 1-based): chr9:32,488,797, G>A on the plus strand (C>T on the coding strand, the complement: RIGI is on the minus strand). VCF-style: chr9-32488797-G-A. GRCh37 (hg19) VCF-style: chr9-32488795-G-A.
Other names: c.890C>T, p.Ala297Val (NM_001385907.1, NM_001385909.1); c.449C>T, p.Ala150Val (NM_001385910.1); c.281C>T, p.Ala94Val (NM_001385912.1); c.875C>T, p.Ala292Val (NM_001385913.1); c.446C>T, p.Ala149Val (NM_001385914.1); short protein forms A149V, A150V, A292V, A297V, A94V.
Identifiers: ClinVar variation 3610288 (VCV003610288.2).
Genomic context (GRCh38, chr9:32,488,797, plus strand): 5'-TGTCTTTCAAAGTATTTTGAGAATACAGATTTCTGCTGTTCATACACTGGGATCTGATTC[G>A]CAAAAAAGACAACTTTCCCCTTTTGTCCTTGTGGGAATTTTTTAAGATGATGTTCACATA-3'
Protein context (NP_055129.2, residues 287-307): QGQKGKVVFF[Ala297Val]NQIPVYEQQK